The following is an entry in ClinVar:

ClinVar aggregate classification (germline): Uncertain significance. Review status: criteria provided, multiple submitters, no conflicts (2 of 4 stars). 2 submissions from 2 submitters: Uncertain significance (2). Last evaluated 2025-12-26.

Conditions:
Familial thoracic aortic aneurysm and aortic dissection (TAAD). Also called: Thoracic aortic aneurysms and dissections. Identifiers: Orphanet 91387, MedGen C4707243, MONDO:0019625.

Submissions (2):

Ambry Genetics
Classification: Uncertain significance for Familial thoracic aortic aneurysm and aortic dissection. Last evaluated: 2025-12-26. Review status: criteria provided, single submitter. Criteria: Ambry Variant Classification Scheme 2023. Collection method: clinical testing. Allele origin: germline.
Comment: The p.A116T variant (also known as c.346G>A), located in coding exon 3 of the TGFBR2 gene, results from a G to A substitution at nucleotide position 346. The alanine at codon 116 is replaced by threonine, an amino acid with similar properties. This amino acid position is conserved. In addition, this alteration is predicted to be tolerated by in silico analysis. Based on the available evidence, the clinical significance of this variant remains unclear.

Labcorp Genetics (formerly Invitae), Labcorp
Classification: Uncertain significance for Familial thoracic aortic aneurysm and aortic dissection. Last evaluated: 2021-06-16. Review status: criteria provided, single submitter. Criteria: Invitae Variant Classification Sherloc (09022015). Collection method: clinical testing. Allele origin: germline.
Comment: This variant is not present in population databases (ExAC no frequency). This sequence change replaces alanine with threonine at codon 116 of the TGFBR2 protein (p.Ala116Thr). The alanine residue is weakly conserved and there is a small physicochemical difference between alanine and threonine. This variant has not been reported in the literature in individuals with TGFBR2-related conditions. In summary, the available evidence is currently insufficient to determine the role of this variant in disease. Therefore, it has been classified as a Variant of Uncertain Significance. Advanced modeling of protein sequence and biophysical properties (such as structural, functional, and spatial information, amino acid conservation, physicochemical variation, residue mobility, and thermodynamic stability) performed at Invitae indicates that this missense variant is not expected to disrupt TGFBR2 protein function.

NM_003242.6(TGFBR2):c.346G>A (p.Ala116Thr)

Gene: TGFBR2 (transforming growth factor beta receptor 2; plus strand). Cytogenetic location: 3p24.1.
Variant type: single nucleotide variant.
Coding change: c.346G>A on transcript NM_003242.6 (MANE Select); coding-DNA position 346, G replaced by A.
Protein change: p.Ala116Thr; replaces alanine 116 with threonine.
Molecular consequence: missense variant.
Genome position (GRCh38, 1-based): chr3:30,650,352, G>A. VCF-style: chr3-30650352-G-A. GRCh37 (hg19) VCF-style: chr3-30691844-G-A.
Other names: c.421G>A, p.Ala141Thr (NM_001024847.3, NM_001407126.1, NM_001407139.1); c.346G>A, p.Ala116Thr (NM_001407127.1, NM_001407130.1); c.373G>A, p.Ala125Thr (NM_001407128.1); c.241G>A, p.Ala81Thr (NM_001407129.1, NM_001407132.1, NM_001407133.1 and 3 more transcripts); c.346G>A (NM_003242.5); short protein forms A141T, A116T, A125T, A81T.
Identifiers: ClinVar variation 1430095 (VCV001430095.10), dbSNP rs1575146526, ClinGen allele CA351806881.
Genomic context (GRCh38, chr3:30,650,352, plus strand): 5'-ACACTAGAGACAGTTTGCCATGACCCCAAGCTCCCCTACCATGACTTTATTCTGGAAGAT[G>A]CTGCTTCTCCAAAGTGCATTATGAAGGAAAAAAAAAAGCCTGGTGAGACTTTCTTCATGT-3'
Protein context (NP_003233.4, residues 106-126): LPYHDFILED[Ala116Thr]ASPKCIMKEK